The following is an entry in ClinVar:

NM_001211.6(BUB1B):c.2144-2dup

Gene: BUB1B (BUB1 mitotic checkpoint serine/threonine kinase B; plus strand). Cytogenetic location: 15q15.1.
Variant type: Duplication.
Coding change: c.2144-2dup on transcript NM_001211.6 (MANE Select); the canonical splice acceptor site of the intron before coding-DNA position 2144, one base duplicated (A; older notation c.2144-2dupA).
Molecular consequence: splice acceptor variant.
Genome position (GRCh38, 1-based): chr15:40,209,633, A duplicated. VCF-style (leftmost placement, unchanged base first): chr15-40209632-C-CA. GRCh37 (hg19) VCF-style: chr15-40501833-C-CA.
Identifiers: ClinVar variation 2038174 (VCV002038174.4), dbSNP rs751700846, ClinGen allele CA7475976.

ClinVar aggregate classification (germline): Uncertain significance (1 of 4 stars; one submission).

Conditions:
Mosaic variegated aneuploidy syndrome 1 (MVA1). Also called: Warburton-Anyane-Yeboa syndrome. Identifiers: Orphanet 1052, MedGen C1850343, MONDO:0009759, OMIM 257300.

Allele frequency attached by ClinVar (database versions not stated): TOPMed below 0.00001; ExAC 0.00002; gnomAD exomes 0.00001.

Submission:

Labcorp Genetics (formerly Invitae), Labcorp
Classification: Uncertain significance for Mosaic variegated aneuploidy syndrome 1. Last evaluated: 2022-06-03. Review status: criteria provided, single submitter. Criteria: Invitae Variant Classification Sherloc (09022015). Collection method: clinical testing. Allele origin: germline.
Comment: This variant has not been reported in the literature in individuals affected with BUB1B-related conditions. Variants that disrupt the consensus splice site are a relatively common cause of aberrant splicing (PMID: 17576681, 9536098). Algorithms developed to predict the effect of sequence changes on RNA splicing suggest that this variant may disrupt the consensus splice site. In summary, the available evidence is currently insufficient to determine the role of this variant in disease. Therefore, it has been classified as a Variant of Uncertain Significance. This variant is present in population databases (rs751700846, gnomAD 0.009%). This sequence change falls in intron 16 of the BUB1B gene. It does not directly change the encoded amino acid sequence of the BUB1B protein. It affects a nucleotide within the consensus splice site.

Literature cited by the submitters: PubMed 17576681; PubMed 9536098.